The following is an entry in ClinVar:

NM_003477.3(PDHX):c.1288G>A (p.Ala430Thr)

Gene: PDHX (pyruvate dehydrogenase complex component X; plus strand). Cytogenetic location: 11p13.
Variant type: single nucleotide variant.
Coding change: c.1288G>A on transcript NM_003477.3 (MANE Select); coding-DNA position 1288, G replaced by A.
Protein change: p.Ala430Thr; replaces alanine 430 with threonine.
Molecular consequence: missense variant.
Genome position (GRCh38, 1-based): chr11:34,994,954, G>A. VCF-style: chr11-34994954-G-A. GRCh37 (hg19) VCF-style: chr11-35016501-G-A.
Other names: c.1288G>A (NM_003477.2); c.1108G>A, p.Ala370Thr (NM_001135024.2); c.607G>A, p.Ala203Thr (NM_001166158.2); short protein forms A430T, A203T, A370T.
Identifiers: ClinVar variation 1395040 (VCV001395040.7), dbSNP rs369989142, ClinGen allele CA5946177.

ClinVar aggregate classification (germline): Uncertain significance. Review status: criteria provided, multiple submitters, no conflicts (2 of 4 stars). 3 submissions from 3 submitters: Uncertain significance (3). Last evaluated 2025-02-26.

Conditions:
Inborn genetic diseases. Identifiers: MedGen C0950123, MeSH D030342.
Pyruvate dehydrogenase E3-binding protein deficiency (PDHXD). Also called: PYRUVATE HYDROGENASE E3-BINDING PROTEIN DEFICIENCY; E3-Binding Protein (Component X) Deficiency; Lacticacidemia due to PDX1 deficiency; LACTIC ACIDEMIA DUE TO DEFECT IN LIPOYL-CONTAINING COMPONENT X OF THE PYRUVATE DEHYDROGENASE COMPLEX. Identifiers: Orphanet 255182, MedGen C1855553, MONDO:0009503, OMIM 245349.

Allele frequency attached by ClinVar (database versions not stated): gnomAD 0.00001 and 0.00002; ExAC 0.00002; gnomAD exomes 0.00003 and 0.00004; TOPMed 0.00003; ESP Exome Variant Server 0.00008.
gnomAD v4.1: 44 of 1,613,796 alleles (0.0027%); highest among the groups gnomAD compares: Admixed American, 0.0083%; no homozygotes.

Submissions (3):

Labcorp Genetics (formerly Invitae), Labcorp
Classification: Uncertain significance. Last evaluated: 2025-02-26. Review status: criteria provided, single submitter. Criteria: Invitae Variant Classification Sherloc (09022015). Collection method: clinical testing. Allele origin: germline.
Comment: This sequence change replaces alanine, which is neutral and non-polar, with threonine, which is neutral and polar, at codon 430 of the PDHX protein (p.Ala430Thr). This variant is present in population databases (rs369989142, gnomAD 0.006%). This variant has not been reported in the literature in individuals affected with PDHX-related conditions. ClinVar contains an entry for this variant (Variation ID: 1395040). Invitae Evidence Modeling of protein sequence and biophysical properties (such as structural, functional, and spatial information, amino acid conservation, physicochemical variation, residue mobility, and thermodynamic stability) indicates that this missense variant is expected to disrupt PDHX protein function with a positive predictive value of 80%. In summary, the available evidence is currently insufficient to determine the role of this variant in disease. Therefore, it has been classified as a Variant of Uncertain Significance.

Ambry Genetics
Classification: Uncertain significance for Inborn genetic diseases. Last evaluated: 2023-10-05. Review status: criteria provided, single submitter. Criteria: Ambry Variant Classification Scheme 2023. Collection method: clinical testing. Allele origin: germline.

Department of Pathology and Laboratory Medicine, Sinai Health System
Classification: Uncertain significance for Pyruvate dehydrogenase E3-binding protein deficiency. Last evaluated: 2021-10-13. Review status: criteria provided, single submitter. Criteria: ACMG Guidelines, 2015. Collection method: research. Allele origin: germline.